The following is an entry in ClinVar:

NM_001130438.3(SPTAN1):c.5531_5532del (p.Glu1844fs)

Gene: SPTAN1 (spectrin alpha, non-erythrocytic 1; plus strand). Cytogenetic location: 9q34.11.
Variant type: Microsatellite.
Coding change: c.5531_5532del on transcript NM_001130438.3 (MANE Select); coding-DNA positions 5531 to 5532, 2 bases deleted (AG; older notation c.5531_5532delAG).
Protein change: p.Glu1844fs; shifts the reading frame from glutamic acid 1844.
Molecular consequence: frameshift variant.
Genome position (GRCh38, 1-based): chr9:128,618,039-128,618,040, AG deleted; deleting any 2 consecutive bases within chr9:128,618,037-128,618,040 gives the same sequence; the c. name uses the placement nearest the transcript's 3' end. VCF-style (leftmost placement, unchanged base first): chr9-128618036-AAG-A. GRCh37 (hg19) VCF-style: chr9-131380315-AAG-A.
Other names: c.5456_5457del, p.Glu1819fs (NM_001195532.2); c.5531_5532del, p.Glu1844fs (NM_001363759.2, NM_001375310.1, NM_001375311.2 and 1 more transcripts); c.5471_5472del, p.Glu1824fs (NM_001363765.2, NM_001375314.2); c.5567_5568del, p.Glu1856fs (NM_001375312.2, NM_001375318.1); c.5516_5517del, p.Glu1839fs (NM_003127.4); short protein forms E1824fs, E1844fs, E1839fs, E1856fs, E1819fs.
Identifiers: ClinVar variation 2786148 (VCV002786148.3), dbSNP rs2541951817, ClinGen allele CA2739265105.

ClinVar aggregate classification (germline): Pathogenic (1 of 4 stars; one submission).

Conditions:
Early-infantile DEE. Also called: Ohtahara syndrome; Early infantile epileptic encephalopathy; Early infantile epileptic encephalopathy with suppression bursts. Identifiers: Orphanet 1934, MedGen C0393706, MONDO:0800491.

Submission:

Labcorp Genetics (formerly Invitae), Labcorp
Classification: Pathogenic for Early-infantile DEE. Last evaluated: 2023-04-14. Review status: criteria provided, single submitter. Criteria: Invitae Variant Classification Sherloc (09022015). Collection method: clinical testing. Allele origin: germline.
Comment: For these reasons, this variant has been classified as Pathogenic. This variant has not been reported in the literature in individuals affected with SPTAN1-related conditions. This variant is not present in population databases (gnomAD no frequency). This sequence change creates a premature translational stop signal (p.Glu1844Glyfs*49) in the SPTAN1 gene. It is expected to result in an absent or disrupted protein product. Loss-of-function variants in SPTAN1 are known to be pathogenic (PMID: 31332438, 33206935).

Literature cited by the submitters: PubMed 31332438; PubMed 33206935.